The following is an entry in ClinVar:

NM_004970.3(IGFALS):c.17-72G>A

Gene: IGFALS (insulin like growth factor binding protein acid labile subunit; minus strand). Cytogenetic location: 16p13.3.
Variant type: single nucleotide variant.
Coding change: c.17-72G>A on transcript NM_004970.3 (MANE Select); 72 bases into the intron before coding-DNA position 17, G replaced by A.
Molecular consequence: intron variant. On other transcripts: missense variant (1).
Genome position (GRCh38, 1-based): chr16:1,792,473, C>T on the plus strand (G>A on the coding strand, the complement: IGFALS is on the minus strand). VCF-style: chr16-1792473-C-T. GRCh37 (hg19) VCF-style: chr16-1842474-C-T.
Other names: c.59G>A, p.Arg20Gln (NM_001146006.2); short protein forms R20Q.
Identifiers: ClinVar variation 1878298 (VCV001878298.1), dbSNP rs762088507, ClinGen allele CA7820776.

ClinVar aggregate classification (germline): Uncertain significance (1 of 4 stars; one submission).

Allele frequency attached by ClinVar (database versions not stated): gnomAD 0.00003; 1000 Genomes Project 30x 0.00031.
gnomAD v4.1: 43 of 1,464,166 alleles (0.0029%); highest among the groups gnomAD compares: Admixed American, 0.005%; no homozygotes.

Submission:

Women's Health and Genetics/Laboratory Corporation of America, LabCorp
Classification: Uncertain significance. Last evaluated: 2022-12-14. Review status: criteria provided, single submitter. Criteria: LabCorp Variant Classification Summary - May 2015. Collection method: clinical testing. Allele origin: germline.
Comment: Variant summary: IGFALS c.17-72G>A is located at a position not widely known to affect splicing. 4/4 computational tools predict no significant impact on normal splicing. However, these predictions have yet to be confirmed by functional studies. The variant allele was found at a frequency of 2.6e-05 in 151014 control chromosomes (gnomAD, v3.1). The available data on variant occurrences in the general population are insufficient to allow any conclusion about variant significance. To our knowledge, no occurrence of c.17-72G>A in individuals affected with Short Stature Due To Primary Acid-Labile Subunit Deficiency and no experimental evidence demonstrating its impact on protein function have been reported. No clinical diagnostic laboratories have submitted clinical-significance assessments for this variant to ClinVar after 2014. Based on the evidence outlined above, the variant was classified as VUS-possibly benign.